The following is an entry in ClinVar:

GRCh38/hg38 6p25.3(chr6:293441-389482)x1

Genes: DUSP22 (dual specificity phosphatase 22; plus strand), LOC126859546 (BRD4-independent group 4 enhancer GRCh37_chr6:329543-330742; plus strand), LOC129389424 (MPRA-validated peak5616 silencer; plus strand), LOC129995539 (ATAC-STARR-seq lymphoblastoid active region 23819; plus strand), LOC129995540 (ATAC-STARR-seq lymphoblastoid active region 23820; plus strand) and 22 more. Cytogenetic location: 6p25.3.
Variant type: copy number loss.
Change: copy number 1 (one copy instead of two) of chr6:293,441-389,482 (96.0 kb, GRCh38 coordinates, 1-based), cytogenetic band 6p25.3.
Identifiers: ClinVar variation 57283 (VCV000057283.1).

ClinVar aggregate classification (germline): Benign (1 of 4 stars; one submission).

Submission:

ISCA site 4
Classification: Benign. Last evaluated: 2011-08-12. Review status: criteria provided, single submitter. Criteria: Kaminsky et al. (Genet Med. 2011). Collection method: clinical testing. Allele origin: unknown. Affected: yes. Observed: 1 variant allele.
Comment: Copy number variation identified through the course of routine clinical cytogenomic testing in postnatal populations. Clinical assertions have been curated as described in Kaminsky et al. 2011.